The following is an entry in ClinVar:

NM_007294.4(BRCA1):c.5481G>T (p.Met1827Ile)

Gene: BRCA1 (BRCA1 DNA repair associated; minus strand). Cytogenetic location: 17q21.31.
Variant type: single nucleotide variant.
Coding change: c.5481G>T on transcript NM_007294.4 (MANE Select); coding-DNA position 5481, G replaced by T.
Protein change: p.Met1827Ile; replaces methionine 1827 with isoleucine.
Molecular consequence: missense variant. On other transcripts: non-coding transcript variant (1).
Genome position (GRCh38, 1-based): chr17:43,045,789, C>A on the plus strand (G>T on the coding strand, the complement: BRCA1 is on the minus strand). VCF-style: chr17-43045789-C-A. GRCh37 (hg19) VCF-style: chr17-41197806-C-A.
Other names: c.2163G>T, p.Met721Ile (NM_001408406.1, NM_001408407.1, NM_001408408.1); c.2160G>T, p.Met720Ile (NM_001408409.1); c.2097G>T, p.Met699Ile (NM_001408410.1); c.2094G>T, p.Met698Ile (NM_001408411.1); c.2091G>T, p.Met697Ile (NM_001408412.1, NM_001408413.1, NM_001408414.1 and 2 more transcripts); c.5475G>T, p.Met1825Ile (NM_001407627.1, NM_001407628.1, NM_001407629.1 and 13 more transcripts); c.5352G>T, p.Met1784Ile (NM_001407687.1, NM_001407688.1, NM_001407689.1 and 6 more transcripts); c.5349G>T, p.Met1783Ile (NM_001407690.1, NM_001407691.1); and 83 more; short protein forms M1780I, M1848I, M1827I, M723I, V699L, M1699I, M1737I, M1758I.
Identifiers: ClinVar variation 867587 (VCV000867587.3), dbSNP rs587782432, ClinGen allele CA10590355.
Genomic context (GRCh38, chr17:43,045,789, plus strand): 5'-GCACTGGTAGAGTGCTACACTGTCCAACACCCACTCTCGGGTCACCACAGGTGCCTCACA[C>A]ATCTGCCCAATTGCTGGAGACAGAGAACACAAGCAGAGATTAGTGTCAATTCATTCTCCT-3'
Protein context (NP_009225.1, residues 1817-1837): EDNGFHAIGQ[Met1827Ile]CEAPVVTREW

Conditions:
Breast-ovarian cancer, familial, susceptibility to, 1 (BROVCA1). Also called: BRCA1 Hereditary Breast and Ovarian Cancer; OVARIAN CANCER, SUSCEPTIBILITY TO. Identifiers: Orphanet 145, MedGen C2676676, MONDO:0011450, OMIM 604370. Disease mechanism: loss of function.

Submission:

Brotman Baty Institute, University of Washington
No classification provided (evidence only). Condition: Breast-ovarian cancer, familial 1. Review status: no classification provided. Collection method: in vitro. Allele origin: not applicable. Functional consequence: functionally_normal.
ClinVar note: "not provided" was previously submitted as the classification for the variant. However, the classification appeared to be based only on an observation of functional data so it was converted to no classification on 2025-07-30.